The following is an entry in ClinVar:

ClinVar aggregate classification (germline): Uncertain significance (1 of 4 stars; one submission).

Submission:

Labcorp Genetics (formerly Invitae), Labcorp
Classification: Uncertain significance. Last evaluated: 2021-09-08. Review status: criteria provided, single submitter. Criteria: Invitae Variant Classification Sherloc (09022015). Collection method: clinical testing. Allele origin: germline.
Comment: In summary, the available evidence is currently insufficient to determine the role of this variant in disease. Therefore, it has been classified as a Variant of Uncertain Significance. This sequence change replaces valine with isoleucine at codon 414 of the SLC18A3 protein (p.Val414Ile). The valine residue is highly conserved and there is a small physicochemical difference between valine and isoleucine. This variant is not present in population databases (ExAC no frequency). This variant has not been reported in the literature in individuals with SLC18A3-related conditions. Algorithms developed to predict the effect of missense changes on protein structure and function (SIFT, PolyPhen-2, Align-GVGD) all suggest that this variant is likely to be disruptive, but these predictions have not been confirmed by published functional studies and their clinical significance is uncertain.

NM_003055.3(SLC18A3):c.1240G>A (p.Val414Ile)

Genes: CHAT (choline O-acetyltransferase; plus strand), SLC18A3 (solute carrier family 18 member A3; plus strand). Cytogenetic location: 10q11.23.
Variant type: single nucleotide variant.
Coding change: c.1240G>A on transcript NM_003055.3 (MANE Select); coding-DNA position 1240, G replaced by A.
Protein change: p.Val414Ile; replaces valine 414 with isoleucine.
Molecular consequence: missense variant. On other transcripts: intron variant (1).
Genome position (GRCh38, 1-based): chr10:49,611,980, G>A. VCF-style: chr10-49611980-G-A. GRCh37 (hg19) VCF-style: chr10-50820026-G-A.
Other names: c.-69+2781G>A (NM_020984.4); short protein forms V414I.
Identifiers: ClinVar variation 1433809 (VCV001433809.9), dbSNP rs2132688450, ClinGen allele CA376722474.